The following is an entry in ClinVar:

ClinVar aggregate classification (germline): Uncertain significance (1 of 4 stars; one submission).

Conditions:
Spastic paraplegia. Identifiers: MedGen C0037772, HP:0001258.

Allele frequency attached by ClinVar (database versions not stated): gnomAD exomes below 0.00001 and 0.00001; gnomAD 0.00001; TOPMed 0.00001.

Submission:

Labcorp Genetics (formerly Invitae), Labcorp
Classification: Uncertain significance for Spastic paraplegia. Last evaluated: 2022-07-25. Review status: criteria provided, single submitter. Criteria: Invitae Variant Classification Sherloc (09022015). Collection method: clinical testing. Allele origin: germline.
Comment: This sequence change replaces methionine, which is neutral and non-polar, with valine, which is neutral and non-polar, at codon 1988 of the ZFYVE26 protein (p.Met1988Val). This variant is present in population databases (no rsID available, gnomAD 0.005%). This variant has not been reported in the literature in individuals affected with ZFYVE26-related conditions. ClinVar contains an entry for this variant (Variation ID: 839201). Algorithms developed to predict the effect of missense changes on protein structure and function output the following: SIFT: "Tolerated"; PolyPhen-2: "Possibly Damaging"; Align-GVGD: "Class C0". The valine amino acid residue is found in multiple mammalian species, which suggests that this missense change does not adversely affect protein function. Algorithms developed to predict the effect of sequence changes on RNA splicing suggest that this variant may create or strengthen a splice site. In summary, the available evidence is currently insufficient to determine the role of this variant in disease. Therefore, it has been classified as a Variant of Uncertain Significance.

NM_015346.4(ZFYVE26):c.5962A>G (p.Met1988Val)

Gene: ZFYVE26 (zinc finger FYVE-type containing 26; minus strand). Cytogenetic location: 14q24.1.
Variant type: single nucleotide variant.
Coding change: c.5962A>G on transcript NM_015346.4 (MANE Select); coding-DNA position 5962, A replaced by G.
Protein change: p.Met1988Val; replaces methionine 1988 with valine.
Molecular consequence: missense variant.
Genome position (GRCh38, 1-based): chr14:67,766,276, T>C on the plus strand (A>G on the coding strand, the complement: ZFYVE26 is on the minus strand). VCF-style: chr14-67766276-T-C. GRCh37 (hg19) VCF-style: chr14-68232993-T-C.
Other names: short protein forms M1988V.
Identifiers: ClinVar variation 839201 (VCV000839201.4), dbSNP rs1401147510, ClinGen allele CA390165666.
Genomic context (GRCh38, chr14:67,766,276, plus strand): 5'-CTGCCCTCTACCTGTCACAAAGAGCCAAGTCTTGGCTCTGGCCGGCTTTGACGAACATCA[T>C]CTTGGCGCTGAACAGCAGCTGCTTCATGATGTCCGTGAGCAGCCCGGCATCCACCTCTGG-3'
Protein context (NP_056161.2, residues 1978-1998): IMKQLLFSAK[Met1988Val]MFVKAGQSQD